The following is an entry in ClinVar:

NM_005475.3(SH2B3):c.1411T>C (p.Ser471Pro)

Gene: SH2B3 (SH2B adaptor protein 3; plus strand). Cytogenetic location: 12q24.12.
Variant type: single nucleotide variant.
Coding change: c.1411T>C on transcript NM_005475.3 (MANE Select); coding-DNA position 1411, T replaced by C.
Protein change: p.Ser471Pro; replaces serine 471 with proline.
Molecular consequence: missense variant.
Genome position (GRCh38, 1-based): chr12:111,447,985, T>C. VCF-style: chr12-111447985-T-C. GRCh37 (hg19) VCF-style: chr12-111885789-T-C.
Other names: c.805T>C, p.Ser269Pro (NM_001291424.1); short protein forms S471P, S269P.
Identifiers: ClinVar variation 3953490 (VCV003953490.1).

ClinVar aggregate classification (germline): Uncertain significance (1 of 4 stars; one submission).

Conditions:
Inborn genetic diseases. Identifiers: MedGen C0950123, MeSH D030342.

gnomAD v4.1: 1 of 1,604,540 alleles (0.000062%); highest among the groups gnomAD compares: Non-Finnish European, 0.000085%; no homozygotes.

Submission:

Ambry Genetics
Classification: Uncertain significance for Inborn genetic diseases. Last evaluated: 2025-05-09. Review status: criteria provided, single submitter. Criteria: Ambry Variant Classification Scheme 2023. Collection method: clinical testing. Allele origin: germline.
Comment: The p.S471P variant (also known as c.1411T>C), located in coding exon 7 of the SH2B3 gene, results from a T to C substitution at nucleotide position 1411. The serine at codon 471 is replaced by proline, an amino acid with similar properties. This amino acid position is conserved. In addition, this alteration is predicted to be tolerated by in silico analysis. Based on the available evidence, the clinical significance of this variant remains unclear.